The following is an entry in ClinVar:

NM_001128840.3(CACNA1D):c.3786+3G>C

Gene: CACNA1D (calcium voltage-gated channel subunit alpha1 D; plus strand). Cytogenetic location: 3p21.1.
Variant type: single nucleotide variant.
Coding change: c.3786+3G>C on transcript NM_001128840.3 (MANE Select); 3 bases into the intron after coding-DNA position 3786, G replaced by C.
Molecular consequence: intron variant.
Genome position (GRCh38, 1-based): chr3:53,753,685, G>C. VCF-style: chr3-53753685-G-C. GRCh37 (hg19) VCF-style: chr3-53787712-G-C.
Other names: c.3786+3G>C (NM_001128839.3); c.3846+3G>C (NM_000720.4).
Identifiers: ClinVar variation 2121996 (VCV002121996.4), dbSNP rs1421045138, ClinGen allele CA2580070270.

ClinVar aggregate classification (germline): Uncertain significance (1 of 4 stars; one submission).

Submission:

Labcorp Genetics (formerly Invitae), Labcorp
Classification: Uncertain significance. Last evaluated: 2022-04-07. Review status: criteria provided, single submitter. Criteria: Invitae Variant Classification Sherloc (09022015). Collection method: clinical testing. Allele origin: germline.
Comment: In summary, the available evidence is currently insufficient to determine the role of this variant in disease. Therefore, it has been classified as a Variant of Uncertain Significance. Variants that disrupt the consensus splice site are a relatively common cause of aberrant splicing (PMID: 17576681, 9536098). Algorithms developed to predict the effect of sequence changes on RNA splicing suggest that this variant is not likely to affect RNA splicing. This variant has not been reported in the literature in individuals affected with CACNA1D-related conditions. This variant is not present in population databases (gnomAD no frequency). This sequence change falls in intron 30 of the CACNA1D gene. It does not directly change the encoded amino acid sequence of the CACNA1D protein. It affects a nucleotide within the consensus splice site.

Literature cited by the submitters: PubMed 17576681; PubMed 9536098.